The following is an entry in ClinVar:

NM_001267550.2(TTN):c.67658del (p.Lys22553fs)

Genes: TTN-AS1 (TTN antisense RNA 1; plus strand), TTN (titin; minus strand), LOC126806423 (CDK7 strongly-dependent group 2 enhancer GRCh37_chr2:179443309-179444508; plus strand). Cytogenetic location: 2q31.2.
Variant type: Deletion.
Coding change: c.67658del on transcript NM_001267550.2 (MANE Select); coding-DNA position 67658, one base deleted (A; older notation c.67658delA).
Protein change: p.Lys22553fs; shifts the reading frame from lysine 22553.
Molecular consequence: frameshift variant.
Genome position (GRCh38, 1-based): chr2:178,579,372, T deleted on the plus strand (A on the coding strand, the reverse complement: TTN is on the minus strand); the first of 3 consecutive T bases (chr2:178,579,372-178,579,374); deleting any one gives the same sequence. VCF-style (leftmost placement, unchanged base first): chr2-178579371-CT-C. GRCh37 (hg19) VCF-style: chr2-179444098-CT-C.
Other names: c.62735del, p.Lys20912fs (NM_001256850.1); c.40463del, p.Lys13488fs (NM_003319.4); c.59954del, p.Lys19985fs (NM_133378.4); c.40838del, p.Lys13613fs (NM_133432.3); c.41039del, p.Lys13680fs (NM_133437.4); short protein forms K13680fs, K13488fs, K19985fs, K22553fs, K13613fs, K20912fs.
Identifiers: ClinVar variation 4784443 (VCV004784443.1).

ClinVar aggregate classification (germline): Likely pathogenic (1 of 4 stars; one submission).

Conditions:
Dilated cardiomyopathy 1G (CMD1G). Identifiers: Orphanet 154, MedGen C1858763, MONDO:0011400, OMIM 604145.
Autosomal recessive limb-girdle muscular dystrophy type 2J (LGMDR10). Also called: Limb-girdle muscular dystrophy, type 2J; MUSCULAR DYSTROPHY, LIMB-GIRDLE, AUTOSOMAL RECESSIVE 10. Identifiers: Orphanet 140922, MedGen C1837342, MONDO:0012127, OMIM 608807.

Submission:

Labcorp Genetics (formerly Invitae), Labcorp
Classification: Likely pathogenic for Dilated cardiomyopathy 1G; Autosomal recessive limb-girdle muscular dystrophy type 2J. Last evaluated: 2025-08-21. Review status: criteria provided, single submitter. Criteria: Invitae Variant Classification Sherloc (09022015). Collection method: clinical testing. Allele origin: germline.
Comment: This sequence change creates a premature translational stop signal (p.Lys22553Argfs*22) in the TTN gene. While this is not anticipated to result in nonsense mediated decay, it is expected to create a truncated TTN protein. This variant is not present in population databases (gnomAD no frequency). This variant has not been reported in the literature in individuals affected with TTN-related conditions. This variant is located in the A band of TTN (PMID: 25589632). Truncating variants in this region are significantly overrepresented in patients affected with dilated cardiomyopathy (PMID: 25589632). Truncating variants in this region have also been reported in individuals affected with autosomal recessive centronuclear myopathy (PMID: 23975875). In summary, the currently available evidence indicates that the variant is pathogenic, but additional data are needed to prove that conclusively. Therefore, this variant has been classified as Likely Pathogenic.

Literature cited by the submitters: PubMed 25589632; PubMed 23975875.